The following is an entry in ClinVar:

ClinVar aggregate classification (germline): Likely benign. Review status: criteria provided, multiple submitters, no conflicts (2 of 4 stars). 3 submissions from 3 submitters: Likely benign (3). Last evaluated 2026-02-02.

Conditions:
Primary ciliary dyskinesia. Also called: Ciliary dyskinesia. Identifiers: Orphanet 244, MedGen C0008780, MONDO:0016575, HP:0012265.

Allele frequency attached by ClinVar (database versions not stated): 1000 Genomes Project 30x 0.00109; gnomAD exomes 0.00111; gnomAD 0.00113 and 0.00114; TOPMed 0.00114; 1000 Genomes Project 0.00120; ExAC 0.00127; ESP Exome Variant Server 0.00215.
gnomAD v4.1: 3,087 of 1,612,280 alleles (0.19%); highest among the groups gnomAD compares: Non-Finnish European, 0.24%; 2 homozygotes.

Submissions (3):

Labcorp Genetics (formerly Invitae), Labcorp
Classification: Likely benign for Primary ciliary dyskinesia. Last evaluated: 2026-02-02. Review status: criteria provided, single submitter. Criteria: Invitae Variant Classification Sherloc (09022015). Collection method: clinical testing. Allele origin: germline.

Mayo Clinic Laboratories, Mayo Clinic
Classification: Likely benign. Last evaluated: 2025-04-10. Review status: criteria provided, single submitter. Criteria: ACMG Guidelines, 2015. Collection method: clinical testing. Allele origin: germline. Observed: 1 variant allele.
Comment: BP4_moderate, BP7

Blueprint Genetics
Classification: Likely benign. Last evaluated: 2024-11-25. Review status: criteria provided, single submitter. Criteria: ACMG Guidelines, 2015. Collection method: clinical testing. Allele origin: germline.

NM_001206927.2(DNAH8):c.6528A>C (p.Leu2176=)

Gene: DNAH8 (dynein axonemal heavy chain 8; plus strand). Cytogenetic location: 6p21.2.
Variant type: single nucleotide variant.
Coding change: c.6528A>C on transcript NM_001206927.2 (MANE Select); coding-DNA position 6528, A replaced by C.
Protein change: p.Leu2176=; no amino-acid change (leucine 2176 retained).
Molecular consequence: synonymous variant.
Genome position (GRCh38, 1-based): chr6:38,866,620, A>C. VCF-style: chr6-38866620-A-C. GRCh37 (hg19) VCF-style: chr6-38834396-A-C.
Other names: p.Leu2176=; c.5877A>C, p.Leu1959= (NM_001371.4).
Identifiers: ClinVar variation 414388 (VCV000414388.14), dbSNP rs45532134, ClinGen allele CA3789691.